The following is an entry in ClinVar:

ClinVar aggregate classification (germline): Uncertain significance (1 of 4 stars; one submission).

Conditions:
Cardiovascular phenotype. Identifiers: MedGen CN230736.

gnomAD v4.1: 1 of 1,614,164 alleles (0.000062%); highest among the groups gnomAD compares: Non-Finnish European, 0.000085%; no homozygotes.

Submission:

Ambry Genetics
Classification: Uncertain significance for Cardiovascular phenotype. Last evaluated: 2023-08-13. Review status: criteria provided, single submitter. Criteria: Ambry Variant Classification Scheme 2023. Collection method: clinical testing. Allele origin: germline.
Comment: The p.S636N variant (also known as c.1907G>A), located in coding exon 14 of the MYH6 gene, results from a G to A substitution at nucleotide position 1907. The serine at codon 636 is replaced by asparagine, an amino acid with highly similar properties. This amino acid position is conserved. In addition, this alteration is predicted to be tolerated by in silico analysis. Since supporting evidence is limited at this time, the clinical significance of this alteration remains unclear.

NM_002471.4(MYH6):c.1907G>A (p.Ser636Asn)

Gene: MYH6 (myosin heavy chain 6; minus strand). Cytogenetic location: 14q11.2.
Variant type: single nucleotide variant.
Coding change: c.1907G>A on transcript NM_002471.4 (MANE Select); coding-DNA position 1907, G replaced by A.
Protein change: p.Ser636Asn; replaces serine 636 with asparagine.
Molecular consequence: missense variant.
Genome position (GRCh38, 1-based): chr14:23,397,598, C>T on the plus strand (G>A on the coding strand, the complement: MYH6 is on the minus strand). VCF-style: chr14-23397598-C-T. GRCh37 (hg19) VCF-style: chr14-23866807-C-T.
Other names: short protein forms S636N.
Identifiers: ClinVar variation 2587180 (VCV002587180.2), dbSNP rs1168624799, ClinGen allele CA389019759.
Genomic context (GRCh38, chr14:23,397,598, plus strand): 5'-CTTACCCGGTGGAGAGCCGACACCGTCTGGAAGGATGAGCCCTTTTTCTTGCCTCCTTTG[C>T]TTTTACCACTGTCCCCTAAACAGCGAGAGGAGAAATAATCAACAGGAGCTGGAAAATAAA-3'
Protein context (NP_002462.2, residues 626-646): ATADTGDSGK[Ser636Asn]KGGKKKGSSF